The following is an entry in ClinVar:

NM_000465.4(BARD1):c.1921C>G (p.Arg641Gly)

Gene: BARD1 (BRCA1 associated RING domain 1; minus strand). Cytogenetic location: 2q35.
Variant type: single nucleotide variant.
Coding change: c.1921C>G on transcript NM_000465.4 (MANE Select); coding-DNA position 1921, C replaced by G.
Protein change: p.Arg641Gly; replaces arginine 641 with glycine.
Molecular consequence: missense variant. On other transcripts: non-coding transcript variant (3).
Genome position (GRCh38, 1-based): chr2:214,730,491, G>C on the plus strand (C>G on the coding strand, the complement: BARD1 is on the minus strand). VCF-style: chr2-214730491-G-C. GRCh37 (hg19) VCF-style: chr2-215595215-G-C.
Other names: c.1864C>G, p.Arg622Gly (NM_001282543.2); c.568C>G, p.Arg190Gly (NM_001282545.2); c.511C>G, p.Arg171Gly (NM_001282548.2); c.382C>G, p.Arg128Gly (NM_001282549.2); short protein forms R128G, R171G, R190G, R622G, R641G.
Identifiers: ClinVar variation 3231781 (VCV003231781.3), dbSNP rs587781948, ClinGen allele CA350451284.

ClinVar aggregate classification (germline): Uncertain significance. Review status: criteria provided, multiple submitters, no conflicts (2 of 4 stars). 2 submissions from 2 submitters: Uncertain significance (2). Last evaluated 2025-05-28.

Conditions:
Familial cancer of breast. Also called: BREAST CANCER, FAMILIAL; Hereditary breast cancer; hereditary breast carcinoma. Identifiers: Orphanet 227535, MedGen C0346153, MONDO:0016419, OMIM 114480. Disease mechanism: loss of function.
Hereditary cancer-predisposing syndrome. Also called: Neoplastic Syndromes, Hereditary; Tumor predisposition; Hereditary neoplastic syndrome; Hereditary Cancer Syndrome. Identifiers: Orphanet 140162, MedGen C0027672, MeSH D009386, MONDO:0015356.

Submissions (2):

Labcorp Genetics (formerly Invitae), Labcorp
Classification: Uncertain significance for Familial cancer of breast. Last evaluated: 2025-05-28. Review status: criteria provided, single submitter. Criteria: Invitae Variant Classification Sherloc (09022015). Collection method: clinical testing. Allele origin: germline.
Comment: This sequence change replaces arginine, which is basic and polar, with glycine, which is neutral and non-polar, at codon 641 of the BARD1 protein (p.Arg641Gly). This variant is not present in population databases (gnomAD no frequency). This variant has not been reported in the literature in individuals affected with BARD1-related conditions. ClinVar contains an entry for this variant (Variation ID: 3231781). An algorithm developed to predict the effect of missense changes on protein structure and function (PolyPhen-2) suggests that this variant is likely to be tolerated. In summary, the available evidence is currently insufficient to determine the role of this variant in disease. Therefore, it has been classified as a Variant of Uncertain Significance.

Ambry Genetics
Classification: Uncertain significance for Hereditary cancer-predisposing syndrome. Last evaluated: 2023-12-18. Review status: criteria provided, single submitter. Criteria: Ambry Variant Classification Scheme 2023. Collection method: clinical testing. Allele origin: germline.
Comment: The p.R641G variant (also known as c.1921C>G), located in coding exon 10 of the BARD1 gene, results from a C to G substitution at nucleotide position 1921. The arginine at codon 641 is replaced by glycine, an amino acid with dissimilar properties. This amino acid position is conserved. In addition, this alteration is predicted to be tolerated by in silico analysis. Since supporting evidence is limited at this time, the clinical significance of this alteration remains unclear.